The following is an entry in ClinVar:

NM_001846.4(COL4A2):c.1311dup (p.Gly438fs)

Gene: COL4A2 (collagen type IV alpha 2 chain; plus strand). Cytogenetic location: 13q34.
Variant type: Duplication.
Coding change: c.1311dup on transcript NM_001846.4 (MANE Select); coding-DNA position 1311, one base duplicated (C; older notation c.1311dupC).
Protein change: p.Gly438fs; shifts the reading frame from glycine 438.
Molecular consequence: frameshift variant.
Genome position (GRCh38, 1-based): chr13:110,450,426, C duplicated; the last of 6 consecutive C bases (chr13:110,450,421-110,450,426); duplicating any one gives the same sequence. VCF-style (leftmost placement, unchanged base first): chr13-110450420-A-AC. GRCh37 (hg19) VCF-style: chr13-111102767-A-AC.
Other names: short protein forms G438fs.
Identifiers: ClinVar variation 2805917 (VCV002805917.4), dbSNP rs760815043, ClinGen allele CA7049367.

ClinVar aggregate classification (germline): Pathogenic/Likely pathogenic. Review status: criteria provided, multiple submitters, no conflicts (2 of 4 stars). 2 submissions from 2 submitters: Pathogenic (1); Likely pathogenic (1). Last evaluated 2026-08-01.

Submissions (2):

CeGaT Center for Human Genetics Tuebingen
Classification: Likely pathogenic. Last evaluated: 2026-08-01. Review status: criteria provided, single submitter. Criteria: CeGaT Center For Human Genetics Tuebingen Variant Classification Criteria Version 2. Collection method: clinical testing. Allele origin: germline. Affected: yes. Observed: 1 variant allele.
Comment: COL4A2: PVS1:Strong, PM2

Labcorp Genetics (formerly Invitae), Labcorp
Classification: Pathogenic. Last evaluated: 2023-07-27. Review status: criteria provided, single submitter. Criteria: Invitae Variant Classification Sherloc (09022015). Collection method: clinical testing. Allele origin: germline.
Comment: For these reasons, this variant has been classified as Pathogenic. This variant has not been reported in the literature in individuals affected with COL4A2-related conditions. This variant is present in population databases (rs760815043, gnomAD 0.003%). This sequence change creates a premature translational stop signal (p.Gly438Argfs*9) in the COL4A2 gene. It is expected to result in an absent or disrupted protein product. Loss-of-function variants in COL4A2 are known to be pathogenic (PMID: 22333902, 30315939).

Literature cited by the submitters: PubMed 22333902 (cited by Labcorp Genetics (formerly Invitae), Labcorp); PubMed 30315939 (cited by Labcorp Genetics (formerly Invitae), Labcorp).